The following is an entry in ClinVar:

NM_001377299.1(NDUFS2):c.1371A>G (p.Val457=)

Gene: NDUFS2 (NADH:ubiquinone oxidoreductase core subunit S2; plus strand). Cytogenetic location: 1q23.3.
Variant type: single nucleotide variant.
Coding change: c.1371A>G on transcript NM_001377299.1 (MANE Select); coding-DNA position 1371, A replaced by G.
Protein change: p.Val457=; no amino-acid change (valine 457 retained).
Molecular consequence: synonymous variant. On other transcripts: 3 prime UTR variant (4), non-coding transcript variant (1).
Genome position (GRCh38, 1-based): chr1:161,214,172, A>G. VCF-style: chr1-161214172-A-G. GRCh37 (hg19) VCF-style: chr1-161183962-A-G.
Other names: p.Val457=; c.*231A>G (NM_001166159.2, NM_001377300.1, NM_001377301.1); c.1371A>G, p.Val457= (NM_001377298.1, NM_004550.5); c.*22A>G (NM_001377302.1).
Identifiers: ClinVar variation 786725 (VCV000786725.38), dbSNP rs149953813, ClinGen allele CA1208877.

ClinVar aggregate classification (germline): Conflicting classifications of pathogenicity. Review status: criteria provided, conflicting classifications (1 of 4 stars). 7 submissions from 7 submitters: Uncertain significance (1); Benign (1); Likely benign (4). 1 of the submissions does not count toward it. Last evaluated 2026-01-19.

Conditions:
NDUFS2-related disorder. Also called: NDUFS2-related condition.
Mitochondrial complex I deficiency, nuclear type 1. Also called: NADH-COENZYME Q REDUCTASE DEFICIENCY; MITOCHONDRIAL NADH DEHYDROGENASE COMPONENT OF COMPLEX I, DEFICIENCY OF. Identifiers: MedGen C6022305, MONDO:0100224, OMIM 252010.

Allele frequency attached by ClinVar (database versions not stated): 1000 Genomes Project 30x 0.00078; 1000 Genomes Project 0.00080; gnomAD exomes 0.00035 and 0.00069; gnomAD 0.00040 and 0.00047; TOPMed 0.00049; ExAC 0.00068; ESP Exome Variant Server 0.00008.
gnomAD v4.1: 610 of 1,613,682 alleles (0.038%); highest among the groups gnomAD compares: East Asian, 0.26%; 1 homozygote.

Submissions (7):

Labcorp Genetics (formerly Invitae), Labcorp
Classification: Benign. Last evaluated: 2026-01-19. Review status: criteria provided, single submitter. Criteria: Invitae Variant Classification Sherloc (09022015). Collection method: clinical testing. Allele origin: germline.

Mayo Clinic Laboratories, Mayo Clinic
Classification: Likely benign. Last evaluated: 2025-03-24. Review status: criteria provided, single submitter. Criteria: ACMG Guidelines, 2015. Collection method: clinical testing. Allele origin: germline. Observed: 2 variant alleles.
Comment: BS1, BP4, BP7

Blueprint Genetics
Classification: Likely benign. Last evaluated: 2024-10-28. Review status: criteria provided, single submitter. Criteria: ACMG Guidelines, 2015. Collection method: clinical testing. Allele origin: germline.

CeGaT Center for Human Genetics Tuebingen
Classification: Likely benign. Last evaluated: 2024-03-01. Review status: criteria provided, single submitter. Criteria: CeGaT Center For Human Genetics Tuebingen Variant Classification Criteria Version 2. Collection method: clinical testing. Allele origin: germline. Affected: yes. Observed: 1 variant allele.
Comment: NDUFS2: BP4, BP7

GeneDx
Classification: Likely benign. Last evaluated: 2018-07-27. Review status: criteria provided, single submitter. Criteria: GeneDx Variant Classification Process June 2021. Collection method: clinical testing. Allele origin: germline. Affected: yes.

Illumina Laboratory Services, Illumina
Classification: Uncertain significance for Mitochondrial complex I deficiency, nuclear type 1. Last evaluated: 2017-04-27. Review status: criteria provided, single submitter. Criteria: ICSL Variant Classification Criteria 13 December 2019. Collection method: clinical testing. Allele origin: germline.

PreventionGenetics, part of Exact Sciences
Classification: Likely benign for NDUFS2-related condition. Last evaluated: 2019-03-29. Review status: no assertion criteria provided. Collection method: clinical testing. Allele origin: germline. Not counted in ClinVar's aggregate classification.
Comment: This variant is classified as likely benign based on ACMG/AMP sequence variant interpretation guidelines (Richards et al. 2015 PMID: 25741868, with internal and published modifications).